The following is an entry in ClinVar:

ClinVar aggregate classification (germline): Uncertain significance (1 of 4 stars; one submission).

Conditions:
Aicardi-Goutieres syndrome 4. Identifiers: Orphanet 51, MedGen C1835912, MONDO:0012472, OMIM 610333.

Submission:

Labcorp Genetics (formerly Invitae), Labcorp
Classification: Uncertain significance for Aicardi-Goutieres syndrome 4. Last evaluated: 2022-07-03. Review status: criteria provided, single submitter. Criteria: Invitae Variant Classification Sherloc (09022015). Collection method: clinical testing. Allele origin: germline.
Comment: In summary, the available evidence is currently insufficient to determine the role of this variant in disease. Therefore, it has been classified as a Variant of Uncertain Significance. Algorithms developed to predict the effect of missense changes on protein structure and function (SIFT, PolyPhen-2, Align-GVGD) all suggest that this variant is likely to be disruptive. This variant has not been reported in the literature in individuals affected with RNASEH2A-related conditions. This variant is not present in population databases (gnomAD no frequency). This sequence change replaces tyrosine, which is neutral and polar, with histidine, which is basic and polar, at codon 149 of the RNASEH2A protein (p.Tyr149His).

NM_006397.3(RNASEH2A):c.445T>C (p.Tyr149His)

Gene: RNASEH2A (ribonuclease H2 subunit A; plus strand). Cytogenetic location: 19p13.13.
Variant type: single nucleotide variant.
Coding change: c.445T>C on transcript NM_006397.3 (MANE Select); coding-DNA position 445, T replaced by C.
Protein change: p.Tyr149His; replaces tyrosine 149 with histidine.
Molecular consequence: missense variant.
Genome position (GRCh38, 1-based): chr19:12,810,104, T>C. VCF-style: chr19-12810104-T-C. GRCh37 (hg19) VCF-style: chr19-12920918-T-C.
Other names: short protein forms Y149H.
Identifiers: ClinVar variation 1972716 (VCV001972716.5), dbSNP rs2145827559, ClinGen allele CA404266633.